The following is an entry in ClinVar:

NM_004560.4(ROR2):c.88C>G (p.Arg30Gly)

Gene: ROR2 (receptor tyrosine kinase like orphan receptor 2; minus strand). Cytogenetic location: 9q22.31.
Variant type: single nucleotide variant.
Coding change: c.88C>G on transcript NM_004560.4 (MANE Select); coding-DNA position 88, C replaced by G.
Protein change: p.Arg30Gly; replaces arginine 30 with glycine.
Molecular consequence: missense variant.
Genome position (GRCh38, 1-based): chr9:91,949,876, G>C on the plus strand (C>G on the coding strand, the complement: ROR2 is on the minus strand). VCF-style: chr9-91949876-G-C. GRCh37 (hg19) VCF-style: chr9-94712158-G-C.
Other names: c.88C>G, p.Arg30Gly (NM_001318204.2); short protein forms R30G.
Identifiers: ClinVar variation 2985586 (VCV002985586.3), dbSNP rs1348200999, ClinGen allele CA373841453.
Genomic context (GRCh38, chr9:91,949,876, plus strand): 5'-AAGCGAGCCGTGAGCTACCGTCTGCGCACAAGCCGGAACGCCAGATCCTACCTGAAGTCC[G>C]GGACACTGAGAGCAGAAGCGCGGCGGCCGCCCAGACGGCCGGGATGCACAGCAGCGGCCG-3'
Protein context (NP_004551.2, residues 20-40): AAAALLLSVS[Arg30Gly]TSGEVEVLDP

ClinVar aggregate classification (germline): Uncertain significance (1 of 4 stars; one submission).

Allele frequency attached by ClinVar (database versions not stated): TOPMed below 0.00001; gnomAD 0.00001.
gnomAD v4.1: 3 of 1,538,970 alleles (0.00019%); highest among the groups gnomAD compares: African/African-American, 0.0028%; no homozygotes.

Submission:

Labcorp Genetics (formerly Invitae), Labcorp
Classification: Uncertain significance. Last evaluated: 2023-08-22. Review status: criteria provided, single submitter. Criteria: Invitae Variant Classification Sherloc (09022015). Collection method: clinical testing. Allele origin: germline.
Comment: In summary, the available evidence is currently insufficient to determine the role of this variant in disease. Therefore, it has been classified as a Variant of Uncertain Significance. Advanced modeling of protein sequence and biophysical properties (such as structural, functional, and spatial information, amino acid conservation, physicochemical variation, residue mobility, and thermodynamic stability) performed at Invitae indicates that this missense variant is not expected to disrupt ROR2 protein function. This variant has not been reported in the literature in individuals affected with ROR2-related conditions. This variant is not present in population databases (gnomAD no frequency). This sequence change replaces arginine, which is basic and polar, with glycine, which is neutral and non-polar, at codon 30 of the ROR2 protein (p.Arg30Gly).